The following is an entry in ClinVar:

ClinVar aggregate classification (germline): Uncertain significance. Review status: criteria provided, multiple submitters, no conflicts (2 of 4 stars). 3 submissions from 3 submitters: Uncertain significance (3). Last evaluated 2024-11-05.

Conditions:
Catecholaminergic polymorphic ventricular tachycardia 1. Also called: RYR2-Related Catecholaminergic Polymorphic Ventricular Tachycardia; VENTRICULAR TACHYCARDIA, STRESS-INDUCED POLYMORPHIC 1; VENTRICULAR TACHYCARDIA, CATECHOLAMINERGIC POLYMORPHIC, 1, WITH OR WITHOUT ATRIAL DYSFUNCTION AND/OR DILATED CARDIOMYOPATHY. Identifiers: Orphanet 3286, MedGen C1631597, MONDO:0011484, OMIM 604772.

Submissions (3):

Labcorp Genetics (formerly Invitae), Labcorp
Classification: Uncertain significance for Catecholaminergic polymorphic ventricular tachycardia 1. Last evaluated: 2024-11-05. Review status: criteria provided, single submitter. Criteria: Invitae Variant Classification Sherloc (09022015). Collection method: clinical testing. Allele origin: germline.
Comment: This sequence change replaces aspartic acid, which is acidic and polar, with histidine, which is basic and polar, at codon 4047 of the RYR2 protein (p.Asp4047His). This variant is not present in population databases (gnomAD no frequency). This variant has not been reported in the literature in individuals affected with RYR2-related conditions. ClinVar contains an entry for this variant (Variation ID: 179754). Invitae Evidence Modeling of protein sequence and biophysical properties (such as structural, functional, and spatial information, amino acid conservation, physicochemical variation, residue mobility, and thermodynamic stability) has been performed for this missense variant. However, the output from this modeling did not meet the statistical confidence thresholds required to predict the impact of this variant on RYR2 protein function. In summary, the available evidence is currently insufficient to determine the role of this variant in disease. Therefore, it has been classified as a Variant of Uncertain Significance.

GeneDx
Classification: Uncertain significance. Last evaluated: 2019-11-29. Review status: criteria provided, single submitter. Criteria: GeneDx Variant Classification Process June 2021. Collection method: clinical testing. Allele origin: germline. Affected: yes.
Comment: Has not been previously published as pathogenic or benign to our knowledge; Reported in ClinVar as a variant of uncertain significance and reported to segregate with suspected or confirmed CPVT or PSVT in three affected relatives (ClinVar Variant ID# 179754; Landrum et al., 2016); Not observed in large population cohorts (Lek et al., 2016); In silico analysis, which includes protein predictors and evolutionary conservation, supports a deleterious effect

Laboratory for Molecular Medicine, Mass General Brigham Personalized Medicine
Classification: Uncertain significance. Last evaluated: 2017-07-19. Review status: criteria provided, single submitter. Criteria: LMM Criteria. Collection method: clinical testing. Allele origin: germline. Observed: 3 variant alleles.
Comment: Variant classified as Uncertain Significance - Favor Pathogenic. It was absent from large p opulation studies. Computational prediction tools and conservation analysis sugg est that the p.Asp4047His variant may impact the protein, though this informatio n is not predictive enough to determine pathogenicity. In summary, while there i s some suspicion for a pathogenic role, the clinical significance of the p.Arg40 47His variant is uncertain.

NM_001035.3(RYR2):c.12139G>C (p.Asp4047His)

Gene: RYR2 (ryanodine receptor 2; plus strand). Cytogenetic location: 1q43.
Variant type: single nucleotide variant.
Coding change: c.12139G>C on transcript NM_001035.3 (MANE Select); coding-DNA position 12139, G replaced by C.
Protein change: p.Asp4047His; replaces aspartic acid 4047 with histidine.
Molecular consequence: missense variant.
Genome position (GRCh38, 1-based): chr1:237,783,851, G>C. VCF-style: chr1-237783851-G-C. GRCh37 (hg19) VCF-style: chr1-237947151-G-C.
Other names: short protein forms D4047H.
Identifiers: ClinVar variation 179754 (VCV000179754.18), dbSNP rs727505103, ClinGen allele CA007344.